The following is an entry in ClinVar:

NM_017514.5(PLXNA3):c.1418G>A (p.Arg473Gln)

Gene: PLXNA3 (plexin A3; plus strand). Cytogenetic location: Xq28.
Variant type: single nucleotide variant.
Coding change: c.1418G>A on transcript NM_017514.5 (MANE Select); coding-DNA position 1418, G replaced by A.
Protein change: p.Arg473Gln; replaces arginine 473 with glutamine.
Molecular consequence: missense variant.
Genome position (GRCh38, 1-based): chrX:154,463,491, G>A. VCF-style: chrX-154463491-G-A. GRCh37 (hg19) VCF-style: chrX-153691834-G-A.
Other names: c.1418G>A (NM_017514.3); short protein forms R473Q.
Identifiers: ClinVar variation 3352055 (VCV003352055.2).

ClinVar aggregate classification (germline): Likely benign. Review status: criteria provided, single submitter (1 of 4 stars). 2 submissions from 2 submitters: Likely benign (1). 1 of the submissions does not count toward it. Last evaluated 2025-03-26.

Conditions:
PLXNA3-related disorder. Also called: PLXNA3-related condition.

gnomAD v4.1: 36 of 1,204,425 alleles (0.003%); highest among the groups gnomAD compares: East Asian, 0.03%; no homozygotes.

Submissions (2):

Ambry Genetics
Classification: Likely benign. Last evaluated: 2025-03-26. Review status: criteria provided, single submitter. Criteria: Ambry Variant Classification Scheme 2023. Collection method: clinical testing. Allele origin: germline.

PreventionGenetics, part of Exact Sciences
Classification: Uncertain significance for PLXNA3-related condition. Last evaluated: 2024-03-13. Review status: no assertion criteria provided. Collection method: clinical testing. Allele origin: germline. Not counted in ClinVar's aggregate classification.
Comment: The PLXNA3 c.1418G>A variant is predicted to result in the amino acid substitution p.Arg473Gln. To our knowledge, this variant has not been reported in the literature. This variant is reported in 0.051% of alleles in individuals of East Asian descent in gnomAD. At this time, the clinical significance of this variant is uncertain due to the absence of conclusive functional and genetic evidence.